The following is an entry in ClinVar:

NM_004656.4(BAP1):c.1795G>A (p.Val599Met)

Gene: BAP1 (BRCA1 associated deubiquitinase 1; minus strand). Cytogenetic location: 3p21.1.
Variant type: single nucleotide variant.
Coding change: c.1795G>A on transcript NM_004656.4 (MANE Select); coding-DNA position 1795, G replaced by A.
Protein change: p.Val599Met; replaces valine 599 with methionine.
Molecular consequence: missense variant.
Genome position (GRCh38, 1-based): chr3:52,403,233, C>T on the plus strand (G>A on the coding strand, the complement: BAP1 is on the minus strand). VCF-style: chr3-52403233-C-T. GRCh37 (hg19) VCF-style: chr3-52437249-C-T.
Other names: c.1741G>A, p.Val581Met (NM_001410772.1); short protein forms V599M, V581M.
Identifiers: ClinVar variation 1920042 (VCV001920042.7), dbSNP rs2153226484, ClinGen allele CA353098788.
Genomic context (GRCh38, chr3:52,403,233, plus strand): 5'-CAGGCCTCACCATCCCCGTCTTCTCTCTGCTGTCCGTGGCTTCCACGACCTCCTTCTCCA[C>T]TGGGCTGCTGGACCCCTGGCTGCCTTGGATTGGTCTGATGGAGGGCGAGGAACCCTTCCC-3'
Protein context (NP_004647.1, residues 589-609): IQGSQGSSSP[Val599Met]EKEVVEATDS

ClinVar aggregate classification (germline): Uncertain significance. Review status: criteria provided, multiple submitters, no conflicts (2 of 4 stars). 2 submissions from 2 submitters: Uncertain significance (2). Last evaluated 2023-01-15.

Conditions:
BAP1-related tumor predisposition syndrome (TPDS1). Also called: BAP1 tumor predisposition syndrome; Tumor susceptibility linked to germline BAP1 mutations; COMMON Syndrome; TUMOR PREDISPOSITION SYNDROME 1. Identifiers: Orphanet 289539, MedGen C3280492, MONDO:0013692, OMIM 614327.
Hereditary cancer-predisposing syndrome. Also called: Hereditary Cancer Syndrome; Hereditary neoplastic syndrome; Neoplastic Syndromes, Hereditary; Tumor predisposition. Identifiers: Orphanet 140162, MedGen C0027672, MeSH D009386, MONDO:0015356.

Submissions (2):

Ambry Genetics
Classification: Uncertain significance for Hereditary cancer-predisposing syndrome. Last evaluated: 2023-01-15. Review status: criteria provided, single submitter. Criteria: Ambry Variant Classification Scheme 2023. Collection method: clinical testing. Allele origin: germline.
Comment: The p.V599M variant (also known as c.1795G>A), located in coding exon 14 of the BAP1 gene, results from a G to A substitution at nucleotide position 1795. The valine at codon 599 is replaced by methionine, an amino acid with highly similar properties. This amino acid position is conserved. In addition, this alteration is predicted to be tolerated by in silico analysis. Since supporting evidence is limited at this time, the clinical significance of this alteration remains unclear.

Labcorp Genetics (formerly Invitae), Labcorp
Classification: Uncertain significance for BAP1-related tumor predisposition syndrome. Last evaluated: 2022-08-05. Review status: criteria provided, single submitter. Criteria: Invitae Variant Classification Sherloc (09022015). Collection method: clinical testing. Allele origin: germline.
Comment: This sequence change replaces valine, which is neutral and non-polar, with methionine, which is neutral and non-polar, at codon 599 of the BAP1 protein (p.Val599Met). In summary, the available evidence is currently insufficient to determine the role of this variant in disease. Therefore, it has been classified as a Variant of Uncertain Significance. Algorithms developed to predict the effect of missense changes on protein structure and function are either unavailable or do not agree on the potential impact of this missense change (SIFT: "Deleterious"; PolyPhen-2: "Benign"; Align-GVGD: "Class C0"). This variant has not been reported in the literature in individuals affected with BAP1-related conditions. This variant is not present in population databases (gnomAD no frequency).